The following is an entry in ClinVar:

ClinVar aggregate classification (germline): Uncertain significance (1 of 4 stars; one submission).

Conditions:
Wiedemann-Steiner syndrome (WDSTS). Also called: Growth deficiency and mental retardation with facial dysmorphism. Identifiers: Orphanet 319182, MedGen C1854630, MONDO:0011518, OMIM 605130.

Submission:

Victorian Clinical Genetics Services, Murdoch Childrens Research Institute
Classification: Uncertain significance for Wiedemann-Steiner syndrome. Last evaluated: 2019-08-28. Review status: criteria provided, single submitter. Criteria: ACMG Guidelines, 2015. Collection method: clinical testing. Allele origin: germline. Inheritance: Autosomal dominant inheritance. Affected: yes.
Comment: A heterozygous missense variant, NM_001197104.1(KMT2A):c.3283G>A, has been identified in exon 4 of 36 of the KMT2A gene. The variant is predicted to result in a minor amino acid change from an alanine to a threonine at position 1095 of the protein, NP_001184033.1(KMT2A):p.(Ala1095Thr). The alanine residue at this position has very high conservation (100 vertebrates, UCSC), but is not located within a well established functional domain. In silico predictions of pathogenicity for this variant are conflicting (Polyphen, SIFT, CADD, Mutation Taster). The variant is absent in population databases (gnomAD, dbSNP, 1000G) and has not been previously reported in clinical cases. Based on the information available at the time of curation, this variant has been classified as VARIANT of UNCERTAIN SIGNIFICANCE (VUS).

NM_001197104.2(KMT2A):c.3283G>A (p.Ala1095Thr)

Gene: KMT2A (lysine methyltransferase 2A; plus strand). Cytogenetic location: 11q23.3.
Variant type: single nucleotide variant.
Coding change: c.3283G>A on transcript NM_001197104.2 (MANE Select); coding-DNA position 3283, G replaced by A.
Protein change: p.Ala1095Thr; replaces alanine 1095 with threonine.
Molecular consequence: missense variant.
Genome position (GRCh38, 1-based): chr11:118,476,931, G>A. VCF-style: chr11-118476931-G-A. GRCh37 (hg19) VCF-style: chr11-118347646-G-A.
Other names: c.3382G>A, p.Ala1128Thr (NM_001412597.1); c.3283G>A, p.Ala1095Thr (NM_005933.4); short protein forms A1095T, A1128T.
Identifiers: ClinVar variation 1805352 (VCV001805352.1), dbSNP rs2496834170, ClinGen allele CA382823995.
Genomic context (GRCh38, chr11:118,476,931, plus strand): 5'-GCAGCTGTTGCCCTTGGCCGAAAACGAGCTGTGTTTCCTGATGACATGCCCACCCTGAGT[G>A]CCTTACCATGGGAAGAACGAGAAAAGATTTTGTCTTCCATGGGGAATGATGGTAGGTCAA-3'
Protein context (NP_001184033.1, residues 1085-1105): VFPDDMPTLS[Ala1095Thr]LPWEEREKIL